The following is an entry in ClinVar:

ClinVar aggregate classification (germline): Uncertain significance (1 of 4 stars; one submission).

Submission:

GeneDx
Classification: Uncertain significance. Last evaluated: 2024-07-23. Review status: criteria provided, single submitter. Criteria: GeneDx Variant Classification Process June 2021. Collection method: clinical testing. Allele origin: germline. Affected: yes.
Comment: Not observed at significant frequency in large population cohorts (gnomAD); In silico analysis indicates that this missense variant does not alter protein structure/function; Has not been previously published as pathogenic or benign to our knowledge

NM_001099922.3(ALG13):c.739A>G (p.Ile247Val)

Gene: ALG13 (ALG13 UDP-N-acetylglucosaminyltransferase subunit; plus strand). Cytogenetic location: Xq23.
Variant type: single nucleotide variant.
Coding change: c.739A>G on transcript NM_001099922.3 (MANE Select); coding-DNA position 739, A replaced by G.
Protein change: p.Ile247Val; replaces isoleucine 247 with valine.
Molecular consequence: missense variant. On other transcripts: non-coding transcript variant (1).
Genome position (GRCh38, 1-based): chrX:111,708,382, A>G. VCF-style: chrX-111708382-A-G. GRCh37 (hg19) VCF-style: chrX-110951610-A-G.
Other names: c.427A>G, p.Ile143Val (NM_001257230.2, NM_001257234.2, NM_001257237.2 and 1 more transcripts); c.505A>G, p.Ile169Val (NM_001257231.2); c.739A>G, p.Ile247Val (NM_001324292.2); short protein forms I143V, I169V, I247V.
Identifiers: ClinVar variation 3600874 (VCV003600874.1).